The following is an entry in ClinVar:

ClinVar aggregate classification (germline): Benign/Likely benign. Review status: criteria provided, multiple submitters, no conflicts (2 of 4 stars). 9 submissions from 9 submitters: Benign (8); Likely benign (1). Last evaluated 2026-01-24.

Conditions:
Developmental and epileptic encephalopathy, 42 (DEE42A). Also called: Epileptic encephalopathy, early infantile, 42; DEVELOPMENTAL AND EPILEPTIC ENCEPHALOPATHY 42A; EPILEPTIC ENCEPHALOPATHY, EARLY INFANTILE, 42A. Identifiers: MedGen C4310716, MONDO:0014917, OMIM 617106.
Episodic ataxia type 2 (EA2). Also called: ATAXIA, EPISODIC, WITH NYSTAGMUS; ATAXIA, FAMILIAL PAROXYSMAL; CEREBELLAR ATAXIA, PAROXYSMAL, ACETAZOLAMIDE-RESPONSIVE; CEREBELLOPATHY, HEREDITARY PAROXYSMAL; EPISODIC ATAXIA, NYSTAGMUS-ASSOCIATED; ACETAZOLAMIDE-RESPONSIVE HEREDITARY PAROXYSMAL CEREBELLAR ATAXIA. Identifiers: Orphanet 97, MedGen C1720416, MONDO:0007163, OMIM 108500.
Inborn genetic diseases. Identifiers: MedGen C0950123, MeSH D030342.

Allele frequency attached by ClinVar (database versions not stated): gnomAD exomes 0.00028 and 0.00067; ExAC 0.00094; 1000 Genomes Project 0.00240; 1000 Genomes Project 30x 0.00281; ESP Exome Variant Server 0.00293; gnomAD 0.00300 and 0.00329; TOPMed 0.00354.
gnomAD v4.1: 874 of 1,611,382 alleles (0.054%); highest among the groups gnomAD compares: African/African-American, 1.1%; 3 homozygotes.

Submissions (9):

Labcorp Genetics (formerly Invitae), Labcorp
Classification: Benign for Developmental and epileptic encephalopathy, 42; Episodic ataxia type 2. Last evaluated: 2026-01-24. Review status: criteria provided, single submitter. Criteria: Invitae Variant Classification Sherloc (09022015). Collection method: clinical testing. Allele origin: germline.

Mayo Clinic Laboratories, Mayo Clinic
Classification: Benign. Last evaluated: 2025-03-05. Review status: criteria provided, single submitter. Criteria: ACMG Guidelines, 2015. Collection method: clinical testing. Allele origin: germline. Observed: 1 variant allele.
Comment: BS1, BS2, BP4, BP7

Athena Diagnostics
Classification: Benign. Last evaluated: 2024-10-08. Review status: criteria provided, single submitter. Criteria: Athena Diagnostics Criteria. Collection method: clinical testing. Allele origin: unknown.

Blueprint Genetics
Classification: Likely benign. Last evaluated: 2024-04-11. Review status: criteria provided, single submitter. Criteria: ACMG Guidelines, 2015. Collection method: clinical testing. Allele origin: germline.

Genetic Services Laboratory, University of Chicago
Classification: Benign. Last evaluated: 2017-11-20. Review status: criteria provided, single submitter. Criteria: ACMG Guidelines, 2015. Collection method: clinical testing. Allele origin: germline. Affected: no.

GeneDx
Classification: Benign. Last evaluated: 2017-04-03. Review status: criteria provided, single submitter. Criteria: GeneDx Variant Classification (06012015). Collection method: clinical testing. Allele origin: germline. Affected: yes.
Comment: This variant is considered likely benign or benign based on one or more of the following criteria: it is a conservative change, it occurs at a poorly conserved position in the protein, it is predicted to be benign by multiple in silico algorithms, and/or has population frequency not consistent with disease.

Ambry Genetics
Classification: Benign for Inborn genetic diseases. Last evaluated: 2016-03-21. Review status: criteria provided, single submitter. Criteria: Ambry Variant Classification Scheme 2023. Collection method: clinical testing. Allele origin: germline.

Eurofins Ntd Llc (ga)
Classification: Benign. Last evaluated: 2014-07-04. Review status: criteria provided, single submitter. Criteria: EGL Classification Definitions 2015. Collection method: clinical testing. Allele origin: germline.

Breakthrough Genomics
Classification: Benign. Review status: criteria provided, single submitter. Criteria: ACMG Guidelines, 2015. Collection method: not provided. Allele origin: germline. Inheritance: Autosomal dominant inheritance. Affected: yes.

NM_001127222.2(CACNA1A):c.2130C>G (p.Ala710=)

Gene: CACNA1A (calcium voltage-gated channel subunit alpha1 A; minus strand). Cytogenetic location: 19p13.13.
Variant type: single nucleotide variant.
Coding change: c.2130C>G on transcript NM_001127222.2 (MANE Select); coding-DNA position 2130, C replaced by G.
Protein change: p.Ala710=; no amino-acid change (alanine 710 retained).
Molecular consequence: synonymous variant.
Genome position (GRCh38, 1-based): chr19:13,303,588, G>C on the plus strand (C>G on the coding strand, the complement: CACNA1A is on the minus strand). VCF-style: chr19-13303588-G-C. GRCh37 (hg19) VCF-style: chr19-13414402-G-C.
Other names: p.Ala711=; c.2133C>G, p.Ala711= (NM_000068.4, NM_001127221.2, NM_001174080.2 and 1 more transcripts).
Identifiers: ClinVar variation 194720 (VCV000194720.28), dbSNP rs16017, ClinGen allele CA201320.